The following is an entry in ClinVar:

ClinVar aggregate classification (germline): Uncertain significance. Review status: reviewed by expert panel (3 of 4 stars). 2 submissions from 2 submitters: Uncertain significance (1). 1 of the submissions does not count toward it. Last evaluated 2019-11-10.

Conditions:
Phenylketonuria (PKU). Also called: Phenylketonurias; Phenylketonuria (PKU); OLIGOPHRENIA PHENYLPYRUVICA; FOLLING DISEASE. Identifiers: Orphanet 716, MedGen C0031485, MONDO:0009861, OMIM 261600. Disease mechanism: loss of function.

Submissions (2):

ClinGen PAH Variant Curation Expert Panel
Classification: Uncertain significance for Phenylketonuria. Last evaluated: 2019-11-10. Review status: reviewed by expert panel. Criteria: ClinGen PAH ACMG Specifications v1. Collection method: curation. Allele origin: germline. Inheritance: Autosomal recessive inheritance.
Comment: The c.379G>A (p.Glu127Lys) variant in PAH has been reported in a patient with PAH deficiency (BH4 deficiency excluded) (PP4_Moderate; PMID: 26503515) This variant is absent from 1000G, ESP, ExAC and gnomAD (PM2). A deleterious effect is predicted in SIFT, Polyphen-2 HVAR, MutationTaster, and REVEL=0.781. In summary, this variant meets criteria to be classified as uncertain significance for PAH. PAH-specific ACMG/AMP criteria applied: PP4_Moderate, PM2, PP3.

Counsyl
Classification: Uncertain significance for Phenylketonuria. Last evaluated: 2017-01-11. Review status: no assertion criteria provided. Collection method: clinical testing. Allele origin: unknown. Not counted in ClinVar's aggregate classification.

Literature cited by the submitters: PubMed 26503515 (cited by ClinGen PAH Variant Curation Expert Panel and Counsyl).

NM_000277.3(PAH):c.379G>A (p.Glu127Lys)

Gene: PAH (phenylalanine hydroxylase; minus strand). Cytogenetic location: 12q23.2.
Variant type: single nucleotide variant.
Coding change: c.379G>A on transcript NM_000277.3 (MANE Select); coding-DNA position 379, G replaced by A.
Protein change: p.Glu127Lys; replaces glutamic acid 127 with lysine.
Molecular consequence: missense variant.
Genome position (GRCh38, 1-based): chr12:102,877,524, C>T on the plus strand (G>A on the coding strand, the complement: PAH is on the minus strand). VCF-style: chr12-102877524-C-T. GRCh37 (hg19) VCF-style: chr12-103271302-C-T.
Other names: c.379G>A, p.Glu127Lys (NM_001354304.2); short protein forms E127K.
Identifiers: ClinVar variation 549954 (VCV000549954.3), dbSNP rs1555206565, ClinGen allele CA16020781.